The following is an entry in ClinVar:

ClinVar aggregate classification (oncogenicity): Oncogenic (1 of 4 stars; one submission).

Conditions:
Meningioma. Also called: Meningioma, somatic. Identifiers: Orphanet 2495, MedGen C0025286, MONDO:0016642, HP:0002858.

Submission:

Dr. Guy Rouleau's laboratory, McGill University
Classification: Oncogenic for Meningioma. Last evaluated: 2025-03-30. Review status: criteria provided, single submitter. Criteria: ClinGen/CGC/VICC Guidelines for Oncogenicity, 2022. Collection method: research. Allele origin: somatic. Affected: yes.
Comment: This nonsense variant generates a premature translational stop signal (p.Leu127Ter) in the NF2 gene, which is expected to result in an absent or disrupted protein product. Loss-of-function variants in NF2 are well-documented as pathogenic (PMIDs: 8755919, 9643284, 16983642). This somatic variant was identified in a paired tumor-blood sequencing study of meningiomas. This variant has been reported in sporadic vestibular schwannomas (PMID: 28409725). It has not been reported in population databases (gnomAD v2.1.1: no frequency)..

NM_000268.4(NF2):c.380T>A (p.Leu127Ter)

Gene: NF2 (NF2, moesin-ezrin-radixin like (MERLIN) tumor suppressor; plus strand). Cytogenetic location: 22q12.2.
Variant type: single nucleotide variant.
Coding change: c.380T>A on transcript NM_000268.4 (MANE Select); coding-DNA position 380, T replaced by A.
Protein change: p.Leu127Ter; replaces leucine 127 with a stop codon.
Molecular consequence: nonsense. On other transcripts: 5 prime UTR variant (1), non-coding transcript variant (1).
Genome position (GRCh38, 1-based): chr22:29,642,218, T>A. VCF-style: chr22-29642218-T-A. GRCh37 (hg19) VCF-style: chr22-30038207-T-A.
Other names: c.266T>A, p.Leu89Ter (NM_001407053.1, NM_001407056.1); c.257T>A, p.Leu86Ter (NM_001407054.1, NM_001407058.1, NM_001407062.1 and 1 more transcripts); c.254T>A, p.Leu85Ter (NM_001407055.1, NM_181828.3); c.380T>A, p.Leu127Ter (NM_001407057.1, NM_001407059.1, NM_001407060.1 and 5 more transcripts); c.131T>A, p.Leu44Ter (NM_001407063.1, NM_001407064.1, NM_181830.3 and 1 more transcripts); c.-261T>A (NM_001407065.1); c.149T>A, p.Leu50Ter (NM_001407067.1); short protein forms L127*, L44*, L50*, L85*, L86*, L89*.
Identifiers: ClinVar variation 3897741 (VCV003897741.1).